The following is an entry in ClinVar:

NM_003793.4(CTSF):c.614G>A (p.Arg205Gln)

Gene: CTSF (cathepsin F; minus strand). Cytogenetic location: 11q13.2.
Variant type: single nucleotide variant.
Coding change: c.614G>A on transcript NM_003793.4 (MANE Select); coding-DNA position 614, G replaced by A.
Protein change: p.Arg205Gln; replaces arginine 205 with glutamine.
Molecular consequence: missense variant.
Genome position (GRCh38, 1-based): chr11:66,566,398, C>T on the plus strand (G>A on the coding strand, the complement: CTSF is on the minus strand). VCF-style: chr11-66566398-C-T. GRCh37 (hg19) VCF-style: chr11-66333869-C-T.
Other names: short protein forms R205Q.
Identifiers: ClinVar variation 663170 (VCV000663170.8), dbSNP rs142782021, ClinGen allele CA6125498.
Genomic context (GRCh38, chr11:66,566,398, plus strand): 5'-TCCAGGGCCTGGATCTTCTGTGCTCGCACCATGTTATTGACAAAGACGGACAGGCGCCAC[C>T]GGGCTTCTGAGGACCAAGGAGCAGAAGAGGAGGGGTTCGACCCCAGGCAGATAAAAGGAA-3'
Protein context (NP_003784.2, residues 195-215): NRTYESKEEA[Arg205Gln]WRLSVFVNNM

ClinVar aggregate classification (germline): Conflicting classifications of pathogenicity. Review status: criteria provided, conflicting classifications (1 of 4 stars). 3 submissions from 3 submitters: Uncertain significance (2); Likely benign (1). Last evaluated 2026-04-24.

Conditions:
Inborn genetic diseases. Identifiers: MedGen C0950123, MeSH D030342.
Neuronal ceroid lipofuscinosis 13 (CLN13). Also called: CLN13 Disease; CEROID LIPOFUSCINOSIS, NEURONAL, 13 (KUFS TYPE). Identifiers: Orphanet 352709, Orphanet 79262, MedGen C3715049, MONDO:0014147, OMIM 615362.

Allele frequency attached by ClinVar (database versions not stated): 1000 Genomes Project 0.00080; TOPMed 0.00014; 1000 Genomes Project 30x 0.00062.
gnomAD v4.1: 106 of 1,613,942 alleles (0.0066%); highest among the groups gnomAD compares: Admixed American, 0.07%; 1 homozygote.

Submissions (3):

GeneDx
Classification: Uncertain significance. Last evaluated: 2026-04-24. Review status: criteria provided, single submitter. Criteria: GeneDx Variant Classification Process June 2021. Collection method: clinical testing. Allele origin: germline.
Comment: In silico analysis suggests that this missense variant does not alter protein structure/function; Has not been previously published as pathogenic or benign to our knowledge

Ambry Genetics
Classification: Likely benign for Inborn genetic diseases. Last evaluated: 2025-05-16. Review status: criteria provided, single submitter. Criteria: Ambry Variant Classification Scheme 2023. Collection method: clinical testing. Allele origin: germline.

Labcorp Genetics (formerly Invitae), Labcorp
Classification: Uncertain significance for Neuronal ceroid lipofuscinosis 13. Last evaluated: 2024-07-04. Review status: criteria provided, single submitter. Criteria: Invitae Variant Classification Sherloc (09022015). Collection method: clinical testing. Allele origin: germline.
Comment: This sequence change replaces arginine, which is basic and polar, with glutamine, which is neutral and polar, at codon 205 of the CTSF protein (p.Arg205Gln). This variant is present in population databases (rs142782021, gnomAD 0.06%). This variant has not been reported in the literature in individuals affected with CTSF-related conditions. ClinVar contains an entry for this variant (Variation ID: 663170). Advanced modeling of protein sequence and biophysical properties (such as structural, functional, and spatial information, amino acid conservation, physicochemical variation, residue mobility, and thermodynamic stability) performed at Invitae indicates that this missense variant is not expected to disrupt CTSF protein function with a negative predictive value of 80%. In summary, the available evidence is currently insufficient to determine the role of this variant in disease. Therefore, it has been classified as a Variant of Uncertain Significance.